The following is an entry in ClinVar:

ClinVar aggregate classification (germline): Pathogenic (1 of 4 stars; one submission).

Conditions:
Sandhoff disease. Also called: HEXOSAMINIDASES A AND B DEFICIENCY; GM2-GANGLIOSIDOSIS, TYPE II; Beta-hexosaminidase-beta-subunit deficiency; GM2 gangliosidosis, type 2; Total hexosaminidase deficiency; Sandhoff-Jatzkewitz-Pilz disease. Identifiers: Orphanet 796, MedGen C0036161, MONDO:0010006, OMIM 268800.

Submission:

Myriad Genetics, Inc.
Classification: Pathogenic for Sandhoff disease. Last evaluated: 2026-01-23. Review status: criteria provided, single submitter. Criteria: Myriad Autosomal Dominant, Autosomal Recessive and X-Linked Classification Criteria (2023). Collection method: clinical testing. Allele origin: unknown.
Comment: NM_000521.3(HEXB):c.1628delC(A543Dfs*33) is a readthrough frameshift variant classified as pathogenic in the context of Sandhoff disease. A543Dfs*33 has not been observed in cases with relevant disease. Relevant functional assessments of this variant are not available in the literature. A543Dfs*33 has not been observed in referenced population frequency databases. In summary, NM_000521.3(HEXB):c.1628delC(A543Dfs*33) is a readthrough frameshift variant in a gene where loss of function is a known mechanism of disease and is predicted to disrupt protein function. Please note: this variant was assessed in the context of healthy population screening.

NM_000521.4(HEXB):c.1628del (p.Ala543fs)

Gene: HEXB (hexosaminidase subunit beta; plus strand). Cytogenetic location: 5q13.3.
Variant type: Deletion.
Coding change: c.1628del on transcript NM_000521.4 (MANE Select); coding-DNA position 1628, one base deleted (C; older notation c.1628delC).
Protein change: p.Ala543fs; shifts the reading frame from alanine 543.
Molecular consequence: frameshift variant.
Genome position (GRCh38, 1-based): chr5:74,721,132, C deleted. VCF-style (leftmost placement, unchanged base first): chr5-74721131-GC-G. GRCh37 (hg19) VCF-style: chr5-74016956-GC-G.
Other names: c.953del, p.Ala318fs (NM_001292004.2); short protein forms A318fs, A543fs.
Identifiers: ClinVar variation 5004418 (VCV005004418.1).